The following is an entry in ClinVar:

ClinVar aggregate classification (germline): Pathogenic/Likely pathogenic. Review status: criteria provided, multiple submitters, no conflicts (2 of 4 stars). 2 submissions from 2 submitters: Pathogenic (1); Likely pathogenic (1). Last evaluated 2022-04-29.

Conditions:
Hereditary cancer-predisposing syndrome. Also called: Tumor predisposition; Hereditary Cancer Syndrome; Hereditary neoplastic syndrome; Neoplastic Syndromes, Hereditary. Identifiers: Orphanet 140162, MedGen C0027672, MeSH D009386, MONDO:0015356.
Breast-ovarian cancer, familial, susceptibility to, 1 (BROVCA1). Also called: BRCA1 Hereditary Breast and Ovarian Cancer; OVARIAN CANCER, SUSCEPTIBILITY TO. Identifiers: Orphanet 145, MedGen C2676676, MONDO:0011450, OMIM 604370. Disease mechanism: loss of function.

Submissions (2):

Baylor Genetics
Classification: Likely pathogenic for Breast-ovarian cancer, familial, susceptibility to, 1. Last evaluated: 2022-04-29. Review status: criteria provided, single submitter. Criteria: ACMG Guidelines, 2015. Collection method: clinical testing. Allele origin: unknown.

Ambry Genetics
Classification: Pathogenic for Hereditary cancer-predisposing syndrome. Last evaluated: 2016-02-26. Review status: criteria provided, single submitter. Criteria: Ambry Variant Classification Scheme 2023. Collection method: clinical testing. Allele origin: germline.
Comment: The c.3569delC pathogenic mutation, located in coding exon 9 of the BRCA1 gene, results from a deletion of one nucleotide at nucleotide position 3569, causing a translational frameshift with a predicted alternate stop codon. Since frameshifts are typically deleterious in nature, this alteration is interpreted as a disease-causing mutation (ACMG Recommendations for Standards for Interpretation and Reporting of Sequence Variations. Revision 2007. Genet Med. 2008;10:294).

NM_007294.4(BRCA1):c.3569del (p.Pro1190fs)

Genes: BRCA1 (BRCA1 DNA repair associated; minus strand), LOC126862571 (BRD4-independent group 4 enhancer GRCh37_chr17:41243136-41244335; plus strand). Cytogenetic location: 17q21.31.
Variant type: Deletion.
Coding change: c.3569del on transcript NM_007294.4 (MANE Select); coding-DNA position 3569, one base deleted (C; older notation c.3569delC).
Protein change: p.Pro1190fs; shifts the reading frame from proline 1190.
Molecular consequence: frameshift variant. On other transcripts: intron variant (135).
Genome position (GRCh38, 1-based): chr17:43,091,962, G deleted on the plus strand (C on the coding strand, the reverse complement: BRCA1 is on the minus strand); the first of 2 consecutive G bases (chr17:43,091,962-43,091,963); deleting either gives the same sequence. VCF-style (leftmost placement, unchanged base first): chr17-43091961-AG-A. GRCh37 (hg19) VCF-style: chr17-41243978-AG-A.
Other names: c.3569delC (NM_007294.3); c.3428del, p.Pro1143fs (NM_001407734.1, NM_001407735.1, NM_001407736.1 and 29 more transcripts); c.3425del, p.Pro1142fs (NM_001407740.1, NM_001407741.1, NM_001407742.1 and 20 more transcripts); c.3356del, p.Pro1119fs (NM_001407853.1, NM_001407894.1, NM_001407895.1 and 9 more transcripts); c.3569del, p.Pro1190fs (NM_001407854.1, NM_001407858.1, NM_001407859.1 and 30 more transcripts); c.3566del, p.Pro1189fs (NM_001407860.1, NM_001407861.1, NM_001407587.1 and 22 more transcripts); c.3368del, p.Pro1123fs (NM_001407862.1); c.3446del, p.Pro1149fs (NM_001407863.1, NM_001407919.1, NM_001407937.1 and 19 more transcripts); and 42 more; short protein forms P1143fs, P1190fs, P1102fs, P1120fs, P322fs, P894fs, P1079fs, P1149fs.
Identifiers: ClinVar variation 485381 (VCV000485381.7), dbSNP rs1555587497, ClinGen allele CA658656688.